The following is an entry in ClinVar:

NM_153704.6(TMEM67):c.1177A>G (p.Ile393Val)

Gene: TMEM67 (transmembrane protein 67; plus strand). Cytogenetic location: 8q22.1.
Variant type: single nucleotide variant.
Coding change: c.1177A>G on transcript NM_153704.6 (MANE Select); coding-DNA position 1177, A replaced by G.
Protein change: p.Ile393Val; replaces isoleucine 393 with valine.
Molecular consequence: missense variant. On other transcripts: non-coding transcript variant (1).
Genome position (GRCh38, 1-based): chr8:93,785,267, A>G. VCF-style: chr8-93785267-A-G. GRCh37 (hg19) VCF-style: chr8-94797495-A-G.
Other names: c.934A>G, p.Ile312Val (NM_001142301.1); short protein forms I312V, I393V.
Identifiers: ClinVar variation 1393077 (VCV001393077.9), dbSNP rs755280678, ClinGen allele CA4807898.

ClinVar aggregate classification (germline): Uncertain significance. Review status: criteria provided, multiple submitters, no conflicts (2 of 4 stars). 3 submissions from 3 submitters: Uncertain significance (3). Last evaluated 2026-04-14.

Conditions:
Joubert syndrome. Also called: Familial aplasia of the vermis; JOUBERT-BOLTSHAUSER SYNDROME. Identifiers: Orphanet 475, MedGen C5979921, MONDO:0018772.
Meckel-Gruber syndrome. Also called: Dysencephalia splachnocystica; GRUBER SYNDROME; DYSENCEPHALIA SPLANCHNOCYSTICA. Identifiers: Orphanet 564, MedGen C0265215, MONDO:0018921.
TMEM67-related disorder. Also called: TMEM67-related disorders; TMEM67-related condition. Identifiers: MedGen CN239423.

Allele frequency attached by ClinVar (database versions not stated): ExAC 0.00001; gnomAD exomes 0.00001 and 0.00002; TOPMed 0.00001; gnomAD 0.00003.
gnomAD v4.1: 31 of 1,601,762 alleles (0.0019%); highest among the groups gnomAD compares: African/African-American, 0.004%; no homozygotes.

Submissions (3):

PreventionGenetics, part of Exact Sciences
Classification: Uncertain significance for TMEM67-related condition. Last evaluated: 2026-04-14. Review status: criteria provided, single submitter. Criteria: ACMG Guidelines, 2015. Collection method: clinical testing. Allele origin: germline.
Comment: The TMEM67 c.1177A>G variant is predicted to result in the amino acid substitution p.Ile393Val. To our knowledge, this variant has not been reported in the literature. This variant is reported in 0.0058% of alleles in individuals of Latino descent in gnomAD. At this time, the clinical significance of this variant is uncertain due to the absence of conclusive functional and genetic evidence.

Labcorp Genetics (formerly Invitae), Labcorp
Classification: Uncertain significance for Joubert syndrome; Meckel-Gruber syndrome. Last evaluated: 2022-10-14. Review status: criteria provided, single submitter. Criteria: Invitae Variant Classification Sherloc (09022015). Collection method: clinical testing. Allele origin: germline.
Comment: This sequence change replaces isoleucine, which is neutral and non-polar, with valine, which is neutral and non-polar, at codon 393 of the TMEM67 protein (p.Ile393Val). This variant is present in population databases (rs755280678, gnomAD 0.006%). This variant has not been reported in the literature in individuals affected with TMEM67-related conditions. ClinVar contains an entry for this variant (Variation ID: 1393077). Advanced modeling of protein sequence and biophysical properties (such as structural, functional, and spatial information, amino acid conservation, physicochemical variation, residue mobility, and thermodynamic stability) performed at Invitae indicates that this missense variant is not expected to disrupt TMEM67 protein function. In summary, the available evidence is currently insufficient to determine the role of this variant in disease. Therefore, it has been classified as a Variant of Uncertain Significance.

GeneDx
Classification: Uncertain significance. Last evaluated: 2022-02-01. Review status: criteria provided, single submitter. Criteria: GeneDx Variant Classification Process June 2021. Collection method: clinical testing. Allele origin: germline. Affected: yes.
Comment: Not observed at significant frequency in large population cohorts (gnomAD); In silico analysis supports that this missense variant does not alter protein structure/function; Has not been previously published as pathogenic or benign to our knowledge